The following is an entry in ClinVar:

ClinVar aggregate classification (germline): Benign (1 of 4 stars; one submission).

Submission:

Unidad de Genómica Garrahan, Hospital de Pediatría Garrahan
Classification: Benign. Last evaluated: 2023-11-12. Review status: criteria provided, single submitter. Criteria: ACMG Guidelines, 2015. Collection method: clinical testing. Allele origin: germline. Affected: no. Observed: 40 variant alleles.
Comment: This variant is classified as Benign based on local population frequency. This variant was detected in 42% of patients studied by a panel of primary immunodeficiencies. Number of patients: 40. Only high quality variants are reported.

NM_000234.3(LIG1):c.-57-87dup

Gene: LIG1 (DNA ligase 1; minus strand). Cytogenetic location: 19q13.33.
Variant type: Duplication.
Coding change: c.-57-87dup on transcript NM_000234.3 (MANE Select); 87 bases into the intron before 57 bases upstream of the start codon, one base duplicated (T; older notation c.-57-87dupT).
Molecular consequence: intron variant.
Genome position (GRCh38, 1-based): chr19:48,165,710, A duplicated on the plus strand (T on the coding strand, the reverse complement: LIG1 is on the minus strand); the first of 11 consecutive A bases (chr19:48,165,710-48,165,720); duplicating any one gives the same sequence. VCF-style (leftmost placement, unchanged base first): chr19-48165709-G-GA. GRCh37 (hg19) VCF-style: chr19-48668966-G-GA.
Other names: c.-57-87dup (NM_001289063.2, NM_001320971.2, NM_001289064.2 and 1 more transcripts).
Identifiers: ClinVar variation 2628206 (VCV002628206.2), dbSNP rs34824188, ClinGen allele CA9547513.